The following is an entry in ClinVar:

NM_000531.6(OTC):c.536T>C (p.Leu179Pro)

Gene: OTC (ornithine transcarbamylase; plus strand). Cytogenetic location: Xp11.4.
Variant type: single nucleotide variant.
Coding change: c.536T>C on transcript NM_000531.6 (MANE Select); coding-DNA position 536, T replaced by C.
Protein change: p.Leu179Pro; replaces leucine 179 with proline.
Molecular consequence: missense variant.
Genome position (GRCh38, 1-based): chrX:38,401,424, T>C. VCF-style: chrX-38401424-T-C. GRCh37 (hg19) VCF-style: chrX-38260677-T-C.
Other names: short protein forms L179P.
Identifiers: ClinVar variation 97238 (VCV000097238.2), dbSNP rs72556286, ClinGen allele CA224669.

ClinVar aggregate classification (germline): Pathogenic (0 of 4 stars; one submission).

Submission:

GenMed Metabolism Lab
Classification: Pathogenic. Review status: no assertion criteria provided. Collection method: not provided. Allele origin: unknown.
Comment: p.Leu179Pro, Neonatal
ClinVar note: Converted during submission from pathogenic to Pathogenic.